The following is an entry in ClinVar:

ClinVar aggregate classification (germline): Uncertain significance (1 of 4 stars; one submission).

Allele frequency attached by ClinVar (database versions not stated): gnomAD exomes below 0.00001.
gnomAD v4.1: 1 of 1,211,658 alleles (0.000083%); highest among the groups gnomAD compares: South Asian, 0.0018%; no homozygotes.

Submission:

Labcorp Genetics (formerly Invitae), Labcorp
Classification: Uncertain significance. Last evaluated: 2022-03-26. Review status: criteria provided, single submitter. Criteria: Invitae Variant Classification Sherloc (09022015). Collection method: clinical testing. Allele origin: germline.
Comment: In summary, the available evidence is currently insufficient to determine the role of this variant in disease. Therefore, it has been classified as a Variant of Uncertain Significance. Algorithms developed to predict the effect of missense changes on protein structure and function are either unavailable or do not agree on the potential impact of this missense change (SIFT: "Deleterious"; PolyPhen-2: "Benign"; Align-GVGD: "Class C0"). This variant has not been reported in the literature in individuals affected with DRP2-related conditions. This variant is not present in population databases (gnomAD no frequency). This sequence change replaces histidine, which is basic and polar, with arginine, which is basic and polar, at codon 433 of the DRP2 protein (p.His433Arg).

NM_001939.3(DRP2):c.1298A>G (p.His433Arg)

Gene: DRP2 (dystrophin related protein 2; plus strand). Cytogenetic location: Xq22.1.
Variant type: single nucleotide variant.
Coding change: c.1298A>G on transcript NM_001939.3 (MANE Select); coding-DNA position 1298, A replaced by G.
Protein change: p.His433Arg; replaces histidine 433 with arginine.
Molecular consequence: missense variant.
Genome position (GRCh38, 1-based): chrX:101,248,134, A>G. VCF-style: chrX-101248134-A-G. GRCh37 (hg19) VCF-style: chrX-100503123-A-G.
Other names: c.1064A>G, p.His355Arg (NM_001171184.2); short protein forms H433R, H355R.
Identifiers: ClinVar variation 2117650 (VCV002117650.4), dbSNP rs2520277642, ClinGen allele CA413925383.